The following is an entry in ClinVar:

ClinVar aggregate classification (germline): Uncertain significance. Review status: criteria provided, multiple submitters, no conflicts (2 of 4 stars). 2 submissions from 2 submitters: Uncertain significance (2). Last evaluated 2024-09-23.

Conditions:
Dilated cardiomyopathy 1G (CMD1G). Identifiers: Orphanet 154, MedGen C1858763, MONDO:0011400, OMIM 604145.
Autosomal recessive limb-girdle muscular dystrophy type 2J (LGMDR10). Also called: Limb-girdle muscular dystrophy, type 2J; MUSCULAR DYSTROPHY, LIMB-GIRDLE, AUTOSOMAL RECESSIVE 10. Identifiers: Orphanet 140922, MedGen C1837342, MONDO:0012127, OMIM 608807.

Allele frequency attached by ClinVar (database versions not stated): gnomAD exomes below 0.00001 and 0.00001; TOPMed below 0.00001.
gnomAD v4.1: 6 of 1,613,866 alleles (0.00037%); highest among the groups gnomAD compares: East Asian, 0.0045%; no homozygotes.

Submissions (2):

Labcorp Genetics (formerly Invitae), Labcorp
Classification: Uncertain significance for Dilated cardiomyopathy 1G; Autosomal recessive limb-girdle muscular dystrophy type 2J. Last evaluated: 2024-09-23. Review status: criteria provided, single submitter. Criteria: Invitae Variant Classification Sherloc (09022015). Collection method: clinical testing. Allele origin: germline.
Comment: This sequence change replaces alanine, which is neutral and non-polar, with threonine, which is neutral and polar, at codon 34109 of the TTN protein (p.Ala34109Thr). This variant is present in population databases (rs786205293, gnomAD 0.006%). This variant has not been reported in the literature in individuals affected with TTN-related conditions. ClinVar contains an entry for this variant (Variation ID: 191821). Experimental studies and prediction algorithms are not available or were not evaluated, and the functional significance of this variant is currently unknown. This variant is located in the M band of TTN (PMID: 25589632). Non-truncating variants in this region may be relevant for neuromuscular disorders, but have not been definitively shown to cause cardiomyopathy (PMID: 23975875). In summary, the available evidence is currently insufficient to determine the role of this variant in disease. Therefore, it has been classified as a Variant of Uncertain Significance.

Biesecker Lab/Clinical Genomics Section, National Institutes of Health
Classification: Uncertain significance. Last evaluated: 2013-06-24. Review status: criteria provided, single submitter. Criteria: Ng et al. (Circ Cardiovasc Genet. 2013). Collection method: research. Allele origin: unknown. Observed: 1 variant allele. Study: ClinSeq.
Comment: The study set was not selected for affection status in relation to any cancer. Pathogenicity categories were based on literature curation. See Pubmed ID:23861362 for details.

Medical sequencing

Literature cited by the submitters: PubMed 25589632 (cited by Labcorp Genetics (formerly Invitae), Labcorp); PubMed 23975875 (cited by Labcorp Genetics (formerly Invitae), Labcorp).

NM_001267550.2(TTN):c.102325G>A (p.Ala34109Thr)

Genes: TTN-AS1 (TTN antisense RNA 1; plus strand), TTN (titin; minus strand). Cytogenetic location: 2q31.2.
Variant type: single nucleotide variant.
Coding change: c.102325G>A on transcript NM_001267550.2 (MANE Select); coding-DNA position 102325, G replaced by A.
Protein change: p.Ala34109Thr; replaces alanine 34109 with threonine.
Molecular consequence: missense variant.
Genome position (GRCh38, 1-based): chr2:178,534,290, C>T on the plus strand (G>A on the coding strand, the complement: TTN is on the minus strand). VCF-style: chr2-178534290-C-T. GRCh37 (hg19) VCF-style: chr2-179399017-C-T.
Other names: c.97402G>A, p.Ala32468Thr (NM_001256850.1); c.75130G>A, p.Ala25044Thr (NM_003319.4); c.94621G>A, p.Ala31541Thr (NM_133378.4); c.75505G>A, p.Ala25169Thr (NM_133432.3); c.75706G>A, p.Ala25236Thr (NM_133437.4); short protein forms A31541T, A34109T, A25236T, A25044T, A25169T, A32468T.
Identifiers: ClinVar variation 191821 (VCV000191821.6), dbSNP rs786205293, ClinGen allele CA237629.